The following is an entry in ClinVar:

NM_080860.4(RSPH1):c.649T>C (p.Leu217=)

Gene: RSPH1 (radial spoke head component 1; minus strand). Cytogenetic location: 21q22.3.
Variant type: single nucleotide variant.
Coding change: c.649T>C on transcript NM_080860.4 (MANE Select); coding-DNA position 649, T replaced by C.
Protein change: p.Leu217=; no amino-acid change (leucine 217 retained).
Molecular consequence: synonymous variant.
Genome position (GRCh38, 1-based): chr21:42,477,369, A>G on the plus strand (T>C on the coding strand, the complement: RSPH1 is on the minus strand). VCF-style: chr21-42477369-A-G. GRCh37 (hg19) VCF-style: chr21-43897479-A-G.
Other names: c.535T>C, p.Leu179= (NM_001286506.2).
Identifiers: ClinVar variation 414806 (VCV000414806.36), dbSNP rs142072750, ClinGen allele CA10043854.
Genomic context (GRCh38, chr21:42,477,369, plus strand): 5'-CTTGGCCAGGTCCATCCGTAGAGGTCGGCTTTTTGGGGAGAGTTGGTGTCCACAGGGCCA[A>G]TTCAGTGATTTGGGTAGCTTTCCATTTTGGAACAACAGTTACTAATTCTTCCTCCTCTTC-3'
Protein context (NP_543136.1, residues 207-227): PKWKATQITE[Leu217=]ALWTPTLPKK

ClinVar aggregate classification (germline): Likely benign. Review status: criteria provided, multiple submitters, no conflicts (2 of 4 stars). 3 submissions from 3 submitters: Likely benign (3). Last evaluated 2026-01-05.

Conditions:
Primary ciliary dyskinesia. Also called: Ciliary dyskinesia. Identifiers: Orphanet 244, MedGen C0008780, MONDO:0016575, HP:0012265.

Allele frequency attached by ClinVar (database versions not stated): ExAC 0.00004; gnomAD exomes 0.00004; ESP Exome Variant Server 0.00008; TOPMed 0.00012; gnomAD 0.00013.
gnomAD v4.1: 82 of 1,614,186 alleles (0.0051%); highest among the groups gnomAD compares: African/African-American, 0.059%; 1 homozygote.

Submissions (3):

Labcorp Genetics (formerly Invitae), Labcorp
Classification: Likely benign for Primary ciliary dyskinesia. Last evaluated: 2026-01-05. Review status: criteria provided, single submitter. Criteria: Invitae Variant Classification Sherloc (09022015). Collection method: clinical testing. Allele origin: germline.

Blueprint Genetics
Classification: Likely benign. Last evaluated: 2024-06-27. Review status: criteria provided, single submitter. Criteria: ACMG Guidelines, 2015. Collection method: clinical testing. Allele origin: germline.

CeGaT Center for Human Genetics Tuebingen
Classification: Likely benign. Last evaluated: 2022-10-01. Review status: criteria provided, single submitter. Criteria: CeGaT Center For Human Genetics Tuebingen Variant Classification Criteria Version 2. Collection method: clinical testing. Allele origin: germline. Affected: yes. Observed: 1 variant allele.
Comment: RSPH1: BP4, BP7